The following is an entry in ClinVar:

NM_001927.4(DES):c.735+1G>T

Gene: DES (desmin; plus strand). Cytogenetic location: 2q35.
Variant type: single nucleotide variant.
Coding change: c.735+1G>T on transcript NM_001927.4 (MANE Select); the canonical splice donor site of the intron after coding-DNA position 735, G replaced by T.
Molecular consequence: splice donor variant. On other transcripts: intron variant (1).
Genome position (GRCh38, 1-based): chr2:219,420,347, G>T. VCF-style: chr2-219420347-G-T. GRCh37 (hg19) VCF-style: chr2-220285069-G-T.
Other names: c.735+1G>T (NM_001382712.1, NM_001382711.1, NM_001382710.1 and 1 more transcripts); c.732+1G>T (NM_001382708.1); c.496-178G>T (NM_001382713.1).
Identifiers: ClinVar variation 578016 (VCV000578016.8), dbSNP rs397516698, ClinGen allele CA350690693.

ClinVar aggregate classification (germline): Pathogenic (1 of 4 stars; one submission).

Conditions:
Desmin-related myofibrillar myopathy (MFM1). Also called: Desminopathy; Myofibrillar myopathy 1; MYOFIBRILLAR MYOPATHY WITH ARRHYTHMOGENIC RIGHT VENTRICULAR CARDIOMYOPATHY; DESMIN-RELATED MYOPATHY WITH ARRHYTHMOGENIC RIGHT VENTRICULAR CARDIOMYOPATHY; Desmin related myopathy (former name); Desmin storage myopathy (former name). Identifiers: Orphanet 363543, Orphanet 98909, MedGen C1832370, MONDO:0011076, OMIM 601419.

Submission:

Labcorp Genetics (formerly Invitae), Labcorp
Classification: Pathogenic for Desmin-related myofibrillar myopathy. Last evaluated: 2023-02-25. Review status: criteria provided, single submitter. Criteria: Invitae Variant Classification Sherloc (09022015). Collection method: clinical testing. Allele origin: germline.
Comment: For these reasons, this variant has been classified as Pathogenic. Studies have shown that disruption of this splice site results in skipping of exon 3, but is expected to preserve the integrity of the reading-frame (PMID: 29034897, 30614851, 33505848). ClinVar contains an entry for this variant (Variation ID: 578016). Disruption of this splice site has been observed in individuals with clinical features of autosomal dominant DES-related conditions and/or myofibrillar myopathy (PMID: 28703267, 30062237, 30614851, 33505848, 33673806; Invitae). This variant is not present in population databases (gnomAD no frequency). This sequence change affects a donor splice site in intron 3 of the DES gene. RNA analysis indicates that disruption of this splice site induces altered splicing and likely results in a shortened protein product.

Literature cited by the submitters: PubMed 29034897; PubMed 30614851; PubMed 33505848; PubMed 28703267; PubMed 30062237; PubMed 33673806.